The following is an entry in ClinVar:

NM_033118.4(MYLK2):c.1257del (p.His420fs)

Gene: MYLK2 (myosin light chain kinase 2; plus strand). Cytogenetic location: 20q11.21.
Variant type: Deletion.
Coding change: c.1257del on transcript NM_033118.4 (MANE Select); coding-DNA position 1257, one base deleted (G; older notation c.1257delG).
Protein change: p.His420fs; shifts the reading frame from histidine 420.
Molecular consequence: frameshift variant.
Genome position (GRCh38, 1-based): chr20:31,830,851, G deleted; the last of 3 consecutive G bases (chr20:31,830,849-31,830,851); deleting any one gives the same sequence. VCF-style (leftmost placement, unchanged base first): chr20-31830848-CG-C. GRCh37 (hg19) VCF-style: chr20-30418651-CG-C.
Other names: c.1257delG, p.His420Ilefs (NM_033118.3); short protein forms H420fs.
Identifiers: ClinVar variation 3364843 (VCV003364843.1).

ClinVar aggregate classification (germline): Uncertain significance (1 of 4 stars; one submission).

Submission:

GeneDx
Classification: Uncertain significance. Last evaluated: 2023-11-29. Review status: criteria provided, single submitter. Criteria: GeneDx Variant Classification Process June 2021. Collection method: clinical testing. Allele origin: germline. Affected: yes.
Comment: Not observed at significant frequency in large population cohorts (gnomAD); Frameshift variant predicted to result in protein truncation or nonsense mediated decay in a gene or region of a gene for which loss of function is not a known mechanism of disease; Has not been previously published as pathogenic or benign to our knowledge